The following is an entry in ClinVar:

NM_138576.4(BCL11B):c.2053G>A (p.Ala685Thr)

Gene: BCL11B (BCL11 transcription factor B; minus strand). Cytogenetic location: 14q32.2.
Variant type: single nucleotide variant.
Coding change: c.2053G>A on transcript NM_138576.4 (MANE Select); coding-DNA position 2053, G replaced by A.
Protein change: p.Ala685Thr; replaces alanine 685 with threonine.
Molecular consequence: missense variant.
Genome position (GRCh38, 1-based): chr14:99,174,783, C>T on the plus strand (G>A on the coding strand, the complement: BCL11B is on the minus strand). VCF-style: chr14-99174783-C-T. GRCh37 (hg19) VCF-style: chr14-99641120-C-T.
Other names: c.2050G>A, p.Ala684Thr (NM_001282237.2); c.1837G>A, p.Ala613Thr (NM_001282238.2); c.1840G>A, p.Ala614Thr (NM_022898.3); short protein forms A685T, A613T, A614T, A684T.
Identifiers: ClinVar variation 1372512 (VCV001372512.6), dbSNP rs1235157049, ClinGen allele CA390934061.

ClinVar aggregate classification (germline): Uncertain significance (1 of 4 stars; one submission).

Allele frequency attached by ClinVar (database versions not stated): gnomAD exomes below 0.00001.
gnomAD v4.1: 2 of 1,461,304 alleles (0.00014%); highest among the groups gnomAD compares: Admixed American, 0.0024%; no homozygotes.

Submission:

Labcorp Genetics (formerly Invitae), Labcorp
Classification: Uncertain significance. Last evaluated: 2023-04-05. Review status: criteria provided, single submitter. Criteria: Invitae Variant Classification Sherloc (09022015). Collection method: clinical testing. Allele origin: germline.
Comment: In summary, the available evidence is currently insufficient to determine the role of this variant in disease. Therefore, it has been classified as a Variant of Uncertain Significance. Advanced modeling of protein sequence and biophysical properties (such as structural, functional, and spatial information, amino acid conservation, physicochemical variation, residue mobility, and thermodynamic stability) performed at Invitae indicates that this missense variant is not expected to disrupt BCL11B protein function. ClinVar contains an entry for this variant (Variation ID: 1372512). This variant has not been reported in the literature in individuals affected with BCL11B-related conditions. The frequency data for this variant in the population databases is considered unreliable, as metrics indicate poor data quality at this position in the gnomAD database. This sequence change replaces alanine, which is neutral and non-polar, with threonine, which is neutral and polar, at codon 685 of the BCL11B protein (p.Ala685Thr).